The following is an entry in ClinVar:

ClinVar aggregate classification (germline): Pathogenic. Review status: criteria provided, multiple submitters, no conflicts (2 of 4 stars). 3 submissions from 3 submitters: Pathogenic (3). Last evaluated 2025-02-04.

Conditions:
Congenital lipoid adrenal hyperplasia due to STAR deficency. Also called: Lipoid adrenal hyperplasia; ADRENAL HYPERPLASIA I; Congenital Lipoid Adrenal Hyperplasia; Cholesterol monooxygenase (side-chain cleaving) deficiency. Identifiers: Orphanet 418, Orphanet 90790, MedGen C0342474, MONDO:0008725, OMIM 201710.

Submissions (3):

Natera, Inc.
Classification: Pathogenic for Congenital lipoid adrenal hyperplasia. Last evaluated: 2025-02-04. Review status: criteria provided, single submitter. Criteria: Natera Variant Classification Schema (03/2026). Collection method: clinical testing. Allele origin: germline.
Comment: The c.125dup variant in STAR is a frameshift variant predicted to shift the reading frame beginning at codon 44 and leads to a stop codon 3 codons downstream. This variant is expected to result in nonsense mediated decay, truncation, or a dysfunctional protein product. This variant is rare in the general population with a frequency below the threshold expected for the associated phenotype(s). This variant has been observed in one or more individuals affected with the associated recessive disease, as either homozygous or compound heterozygous with a second variant (PMID: 21647419). Additionally, this variant has been observed to segregate in affected family members (PMID: 21647419). Given the available evidence, this variant is classified as Pathogenic.

Labcorp Genetics (formerly Invitae), Labcorp
Classification: Pathogenic. Last evaluated: 2024-03-29. Review status: criteria provided, single submitter. Criteria: Invitae Variant Classification Sherloc (09022015). Collection method: clinical testing. Allele origin: germline.
Comment: This sequence change creates a premature translational stop signal (p.Thr44Hisfs*3) in the STAR gene. It is expected to result in an absent or disrupted protein product. Loss-of-function variants in STAR are known to be pathogenic (PMID: 8948562). This variant is present in population databases (rs767692492, gnomAD 0.006%). This premature translational stop signal has been observed in individuals with lipoid adrenal hyperplasia (PMID: 9097960, 10700722, 21647419). It has also been observed to segregate with disease in related individuals. ClinVar contains an entry for this variant (Variation ID: 632520). For these reasons, this variant has been classified as Pathogenic.

Illumina Laboratory Services, Illumina
Classification: Pathogenic for Congenital lipoid adrenal hyperplasia due to STAR deficency. Last evaluated: 2017-05-10. Review status: criteria provided, single submitter. Criteria: ICSL Variant Classification Criteria 09 May 2019. Collection method: clinical testing. Allele origin: germline.
Comment: The STAR c.125dupG (p.Thr44HisfsTer3) variant results in a frameshift and is predicted to result in premature termination of the protein. The p.Thr44HisfsTer3 variant has been reported in three studies and is found in a total of seven patients with congenital adrenal hyperplasia (CAH), including in one in a homozygous state, in five (including one sibling pair) in a compound heterozygous state and in one in a heterozygous state in whom a second allele was not detected (Nakae et al. 1997; Shima et al. 2000; FlÃ¼ck et al. 2011). All seven patients were diagnosed with lipoid CAH. The p.Thr44HisfsTer3 variant was also found in the unaffected father of the sibling pair in a heterozygous state (FlÃ¼ck et al. 2011). Control data are unavailable for the p.Thr44HisfsTer3 variant, which is reported at a frequency of 0.000058 in the East Asian population of the Genome Aggregation Database but this is based on one allele in a region of good sequence coverage so the variant is presumed to be rare. Expression analysis in COS-1 cells demonstrated that the p.Thr44HisfsTer3 variant protein had a pregnenolone production rate comparable to the vector control and is therefore described as completely inactive (FlÃ¼ck et al. 2011). Based on the evidence from the literature and the potential impact of frameshift variants, the p.Thr44HisfsTer3 variant is classified as pathogenic for congenital adrenal hyperplasia, and has most often been reported in patients with the lipoid subtype. This variant was observed by ICSL as part of a predisposition screen in an ostensibly healthy population.

Literature cited by the submitters: PubMed 21647419 (cited by 3 submitters); PubMed 8948562 (cited by Labcorp Genetics (formerly Invitae), Labcorp); PubMed 9097960 (cited by Labcorp Genetics (formerly Invitae), Labcorp and Illumina Laboratory Services, Illumina); PubMed 10700722 (cited by Labcorp Genetics (formerly Invitae), Labcorp and Illumina Laboratory Services, Illumina).

NM_000349.3(STAR):c.125dup (p.Thr44fs)

Gene: STAR (steroidogenic acute regulatory protein; minus strand). Cytogenetic location: 8p11.23.
Variant type: Duplication.
Coding change: c.125dup on transcript NM_000349.3 (MANE Select); coding-DNA position 125, one base duplicated (G; older notation c.125dupG).
Protein change: p.Thr44fs; shifts the reading frame from threonine 44.
Molecular consequence: frameshift variant.
Genome position (GRCh38, 1-based): chr8:38,148,694, C duplicated on the plus strand (G on the coding strand, the reverse complement: STAR is on the minus strand); the first of 6 consecutive C bases (chr8:38,148,694-38,148,699); duplicating any one gives the same sequence. VCF-style (leftmost placement, unchanged base first): chr8-38148693-G-GC. GRCh37 (hg19) VCF-style: chr8-38006211-G-GC.
Other names: c.125dupG (NM_000349.2); c.125dup (NM_000349.2); short protein forms T44fs.
Identifiers: ClinVar variation 632520 (VCV000632520.11), dbSNP rs750549499, ClinGen allele CA4715350.